The following is an entry in ClinVar:

ClinVar aggregate classification (germline): Uncertain significance (1 of 4 stars; one submission).

Conditions:
Hereditary cancer-predisposing syndrome. Also called: Neoplastic Syndromes, Hereditary; Tumor predisposition; Hereditary neoplastic syndrome; Hereditary Cancer Syndrome. Identifiers: Orphanet 140162, MedGen C0027672, MeSH D009386, MONDO:0015356.

gnomAD v4.1: 3 of 1,546,278 alleles (0.00019%); highest among the groups gnomAD compares: Non-Finnish European, 0.00027%; no homozygotes.

Submission:

Ambry Genetics
Classification: Uncertain significance for Hereditary cancer-predisposing syndrome. Last evaluated: 2026-07-22. Review status: criteria provided, single submitter. Criteria: Ambry Variant Classification Scheme 2023. Collection method: clinical testing. Allele origin: germline.
Comment: The p.S1232T variant (also known as c.3694T>A), located in coding exon 24 of the ATM gene, results from a T to A substitution at nucleotide position 3694. The serine at codon 1232 is replaced by threonine, an amino acid with similar properties. This amino acid position is well conserved in available vertebrate species. In addition, this alteration is predicted to be tolerated by in silico analysis. Based on the available evidence, the clinical significance of this variant remains unclear.

NM_000051.4(ATM):c.3694T>A (p.Ser1232Thr)

Gene: ATM (ATM serine/threonine kinase; plus strand). Cytogenetic location: 11q22.3.
Variant type: single nucleotide variant.
Coding change: c.3694T>A on transcript NM_000051.4 (MANE Select); coding-DNA position 3694, T replaced by A.
Protein change: p.Ser1232Thr; replaces serine 1232 with threonine.
Molecular consequence: missense variant.
Genome position (GRCh38, 1-based): chr11:108,282,827, T>A. VCF-style: chr11-108282827-T-A. GRCh37 (hg19) VCF-style: chr11-108153554-T-A.
Other names: c.3694T>A, p.Ser1232Thr (NM_001351834.2); short protein forms S1232T.
Identifiers: ClinVar variation 5031625 (VCV005031625.1).
Genomic context (GRCh38, chr11:108,282,827, plus strand): 5'-TCTCATTTAGATTATCTGGTTTTGGAATGGCTAAATCTTCAAGATACTGAATACAACTTA[T>A]CTTCTTTTCCTTTTATTTTATTAAACTACACAAATATTGAGGATTTCTATAGGTAAGTTT-3'
Protein context (NP_000042.3, residues 1222-1242): LNLQDTEYNL[Ser1232Thr]SFPFILLNYT